The following is an entry in ClinVar:

ClinVar aggregate classification (germline): Conflicting classifications of pathogenicity. Review status: criteria provided, conflicting classifications (1 of 4 stars). 5 submissions from 4 submitters: Uncertain significance (4); Benign (1). Last evaluated 2024-10-24.

Conditions:
Type 2 diabetes mellitus. Also called: Type II diabetes mellitus. Identifiers: MedGen C0011860, MeSH D003924, MONDO:0005148, OMIM 125853, HP:0005978.
Diabetes mellitus, transient neonatal, 2 (TNDM2). Identifiers: Orphanet 99886, MedGen C1835887, MONDO:0012480, OMIM 610374. Disease mechanism: loss of function.
Hyperinsulinemic hypoglycemia, familial, 1 (HHF1). Also called: HYPERINSULINISM, FAMILIAL, WITH PANCREATIC NESIDIOBLASTOSIS; HYPOGLYCEMIA, HYPERINSULINEMIC, OF INFANCY; NESIDIOBLASTOSIS OF PANCREAS; Persistent hyperinsulinemic hypoglycemia of infancy; Persistent Hyperinsulinemia Hypoglycemia of Infancy. Identifiers: Orphanet 276575, Orphanet 276598, MedGen C2931832, MONDO:0009734, OMIM 256450.
Leucine-induced hypoglycemia (LIH). Also called: LEUCINE-SENSITIVE HYPOGLYCEMIA OF INFANCY. Identifiers: MedGen C0271714, MONDO:0009415, OMIM 240800.
Diabetes mellitus, permanent neonatal 3. Also called: ABCC8-Related Permanent Neonatal Diabetes Mellitus. Identifiers: MedGen C5394303, MONDO:0030088, OMIM 618857.
Transitory neonatal diabetes mellitus. Also called: Transient neonatal diabetes mellitus. Identifiers: MedGen C0342273, MONDO:0020525, HP:0008255.
Maturity-onset diabetes of the young (MODY). Also called: Maturity onset diabetes mellitus in young. Identifiers: Orphanet 552, MedGen C0342276, MONDO:0018911, HP:0004904.

gnomAD v4.1: 25 of 1,614,076 alleles (0.0015%); highest among the groups gnomAD compares: Non-Finnish European, 0.0019%; no homozygotes.

Submissions (5):

Blueprint Genetics
Classification: Uncertain significance. Last evaluated: 2024-10-24. Review status: criteria provided, single submitter. Criteria: ACMG Guidelines, 2015. Collection method: clinical testing. Allele origin: germline.

Genetic Services Laboratory, University of Chicago
Classification: Uncertain significance. Last evaluated: 2023-10-10. Review status: criteria provided, single submitter. Criteria: ACMG Guidelines, 2015. Collection method: clinical testing. Allele origin: germline. Affected: no.
Comment: DNA sequence analysis of the ABCC8 gene demonstrated a sequence change, c.4090G>T, in exon 33 that results in an amino acid change, p.Val1364Phe. This sequence change does not appear to have been previously described in individuals with ABCC8-related disorders. This sequence change has been described in the gnomAD database with a frequency of 0.0014% in the European subpopulation (dbSNP rs138642224). The p.Val1364Phe change affects a highly conserved amino acid residue located in a domain of the ABCC8 protein that is known to be functional. . In-silico pathogenicity prediction tools (SIFT, PolyPhen2, Align GVGD, REVEL) provide contradictory results for the p.Val1364Phe substitution. Due to insufficient evidences and the lack of functional studies, the clinical significance of the p.Val1364Phe change remains unknown at this time.

Fulgent Genetics
Classification: Uncertain significance for Type 2 diabetes mellitus; Leucine-induced hypoglycemia; Hyperinsulinemic hypoglycemia, familial, 1; Diabetes mellitus, transient neonatal, 2; Diabetes mellitus, permanent neonatal 3. Last evaluated: 2021-07-21. Review status: criteria provided, single submitter. Criteria: ACMG Guidelines, 2015. Collection method: clinical testing. Allele origin: unknown.

Clinical Genomics, Uppaluri K&H Personalized Medicine Clinic
Classification: Uncertain significance for Transitory neonatal diabetes mellitus. Review status: criteria provided, single submitter. Criteria: K & H Uppaluri Personalized Medicine Clinic Variant Classification & Assertion Criteria_Updated V.1. Collection method: research. Allele origin: somatic. Inheritance: Somatic mutation.
Comment: Mutations in ABCC8 gene are associated with both neonatal diabetes mellitus as well as MODY. Patients with this mutation may have a better response to sulfonylureas. However, no sufficient evidence is found to ascertain the role of this particular variant (rs138642224) in neonatal diabetes yet.

Clinical Genomics, Uppaluri K&H Personalized Medicine Clinic
Classification: Benign for Maturity-onset diabetes of the young. Review status: criteria provided, single submitter. Criteria: K & H Uppaluri Personalized Medicine Clinic Variant Classification & Assertion Criteria_Updated V.1. Collection method: research. Allele origin: unknown. Inheritance: Autosomal dominant inheritance.
Comment: Mutations in ABCC8 gene are associated with both neonatal diabetes mellitus as well as MODY. Patients with this mutation may have a better response to sulfonylureas. However, no sufficient evidence is found to ascertain the role of this particular variant (rs138642224) in MODY yet.

Literature cited by the submitters: PubMed 16885549 (cited by Clinical Genomics, Uppaluri K&H Personalized Medicine Clinic); PubMed 21989597 (cited by Clinical Genomics, Uppaluri K&H Personalized Medicine Clinic); PubMed 27538677 (cited by Clinical Genomics, Uppaluri K&H Personalized Medicine Clinic); PubMed 18981553 (cited by Clinical Genomics, Uppaluri K&H Personalized Medicine Clinic); PubMed 32027066 (cited by Clinical Genomics, Uppaluri K&H Personalized Medicine Clinic); PubMed 16613899 (cited by Clinical Genomics, Uppaluri K&H Personalized Medicine Clinic); PubMed 18025408 (cited by Clinical Genomics, Uppaluri K&H Personalized Medicine Clinic); PubMed 32792356 (cited by Clinical Genomics, Uppaluri K&H Personalized Medicine Clinic).

NM_000352.6(ABCC8):c.4090G>T (p.Val1364Phe)

Gene: ABCC8 (ATP binding cassette subfamily C member 8; minus strand). Cytogenetic location: 11p15.1.
Variant type: single nucleotide variant.
Coding change: c.4090G>T on transcript NM_000352.6 (MANE Select); coding-DNA position 4090, G replaced by T.
Protein change: p.Val1364Phe; replaces valine 1364 with phenylalanine.
Molecular consequence: missense variant. On other transcripts: non-coding transcript variant (1).
Genome position (GRCh38, 1-based): chr11:17,396,945, C>A on the plus strand (G>T on the coding strand, the complement: ABCC8 is on the minus strand). VCF-style: chr11-17396945-C-A. GRCh37 (hg19) VCF-style: chr11-17418492-C-A.
Other names: c.4093G>T, p.Val1365Phe (NM_001287174.3); c.4156G>T, p.Val1386Phe (NM_001351295.2); c.4090G>T, p.Val1364Phe (NM_001351296.2); c.4087G>T, p.Val1363Phe (NM_001351297.2); c.4090G>T (NM_000352.4); short protein forms V1363F, V1364F, V1365F, V1386F.
Identifiers: ClinVar variation 1684260 (VCV001684260.6), dbSNP rs138642224, ClinGen allele CA5902587.
Genomic context (GRCh38, chr11:17,396,945, plus strand): 5'-CTGCAGCATTGGGTTGGGCCCGTGCTCTGACCTTCTGTCCAGGGGCGATGAGGGCATTGA[C>A]GTGCTTCAGCACCGGCTTCAGGGAGCTGTCGTAGCGCACGCTCAGGTTCTGGATCTGGAT-3'
Protein context (NP_000343.2, residues 1354-1374): DSSLKPVLKH[Val1364Phe]NALIAPGQKI